The following is an entry in ClinVar:

ClinVar aggregate classification (germline): Uncertain significance. Review status: criteria provided, multiple submitters, no conflicts (2 of 4 stars). 2 submissions from 2 submitters: Uncertain significance (2). Last evaluated 2026-05-21.

Conditions:
PLXNA2-related disorder. Also called: PLXNA2-related condition.

gnomAD v4.1: 18 of 1,613,344 alleles (0.0011%); highest among the groups gnomAD compares: East Asian, 0.0022%; no homozygotes.

Submissions (2):

PreventionGenetics, part of Exact Sciences
Classification: Uncertain significance for PLXNA2-related condition. Last evaluated: 2026-05-21. Review status: criteria provided, single submitter. Criteria: ACMG Guidelines, 2015. Collection method: clinical testing. Allele origin: germline.
Comment: The PLXNA2 c.5623C>T variant is predicted to result in the amino acid substitution p.Arg1875Trp. To our knowledge, this variant has not been reported in the literature. This variant is reported in 0.0062% of alleles in individuals of African descent in gnomAD. At this time, the clinical significance of this variant is uncertain due to the absence of conclusive functional and genetic evidence.

Ambry Genetics
Classification: Uncertain significance. Last evaluated: 2024-12-28. Review status: criteria provided, single submitter. Criteria: Ambry Variant Classification Scheme 2023. Collection method: clinical testing. Allele origin: germline.

NM_025179.4(PLXNA2):c.5623C>T (p.Arg1875Trp)

Gene: PLXNA2 (plexin A2; minus strand). Cytogenetic location: 1q32.2.
Variant type: single nucleotide variant.
Coding change: c.5623C>T on transcript NM_025179.4 (MANE Select); coding-DNA position 5623, C replaced by T.
Protein change: p.Arg1875Trp; replaces arginine 1875 with tryptophan.
Molecular consequence: missense variant.
Genome position (GRCh38, 1-based): chr1:208,027,305, G>A on the plus strand (C>T on the coding strand, the complement: PLXNA2 is on the minus strand). VCF-style: chr1-208027305-G-A. GRCh37 (hg19) VCF-style: chr1-208200650-G-A.
Other names: short protein forms R1875W.
Identifiers: ClinVar variation 3890731 (VCV003890731.2).